The following is an entry in ClinVar:

ClinVar aggregate classification (germline): Pathogenic. Review status: criteria provided, multiple submitters, no conflicts (2 of 4 stars). 4 submissions from 4 submitters: Pathogenic (3). 1 of the submissions does not count toward it. Last evaluated 2024-04-04.

Conditions:
TULP1-related disorder. Also called: TULP1-related disorders; TULP1-related condition.
Leber congenital amaurosis 15 (LCA15). Identifiers: Orphanet 65, MedGen C3151206, MONDO:0013457, OMIM 613843.
Retinitis pigmentosa 14 (RP14). Also called: RETINITIS PIGMENTOSA, JUVENILE, TULP1-RELATED. Identifiers: Orphanet 791, MedGen C1838603, MONDO:0010827, OMIM 600132.

Submissions (4):

Genomic Medicine Center of Excellence, King Faisal Specialist Hospital and Research Centre
Classification: Pathogenic for Leber congenital amaurosis 15. Last evaluated: 2024-04-04. Review status: criteria provided, single submitter. Criteria: ACMG Guidelines, 2015. Collection method: clinical testing. Allele origin: germline.

Labcorp Genetics (formerly Invitae), Labcorp
Classification: Pathogenic. Last evaluated: 2023-03-18. Review status: criteria provided, single submitter. Criteria: Invitae Variant Classification Sherloc (09022015). Collection method: clinical testing. Allele origin: germline.
Comment: This variant is also known as p.Leu504fsX140. For these reasons, this variant has been classified as Pathogenic. Algorithms developed to predict the effect of sequence changes on RNA splicing suggest that this variant may disrupt the consensus splice site. ClinVar contains an entry for this variant (Variation ID: 7364). This frameshift has been observed in individual(s) with retinitis pigmentosa (PMID: 17620573). In at least one individual the data is consistent with being in trans (on the opposite chromosome) from a pathogenic variant. It has also been observed to segregate with disease in related individuals. This variant is not present in population databases (gnomAD no frequency). This sequence change results in a frameshift in the TULP1 gene (p.Leu504Profs*141). While this is not anticipated to result in nonsense mediated decay, it is expected to disrupt the last 39 amino acid(s) of the TULP1 protein and extend the protein by 101 additional amino acid residues.

Blueprint Genetics
Classification: Pathogenic for TULP1-related disorders. Last evaluated: 2018-04-06. Review status: criteria provided, single submitter. Criteria: ACMG Guidelines, 2015. Collection method: clinical testing. Allele origin: germline. Affected: yes. Observed: 1 variant allele.

OMIM
Classification: Pathogenic for RETINITIS PIGMENTOSA 14. Last evaluated: 2007-07-01. Review status: no assertion criteria provided. Collection method: literature only. Allele origin: germline. Not counted in ClinVar's aggregate classification.

Literature cited by the submitters: PubMed 17620573 (cited by Labcorp Genetics (formerly Invitae), Labcorp and OMIM).

NM_003322.6(TULP1):c.1511_1521del (p.Leu504fs)

Gene: TULP1 (TUB like protein 1; minus strand). Cytogenetic location: 6p21.31.
Variant type: Deletion.
Coding change: c.1511_1521del on transcript NM_003322.6 (MANE Select); coding-DNA positions 1511 to 1521, 11 bases deleted (TGCAGTTCGGC).
Protein change: p.Leu504fs; shifts the reading frame from leucine 504.
Molecular consequence: frameshift variant.
Genome position (GRCh38, 1-based): chr6:35,498,435-35,498,445, GCCGAACTGCA deleted on the plus strand (TGCAGTTCGGC on the coding strand, the reverse complement: TULP1 is on the minus strand); deleting any 11 consecutive bases within chr6:35,498,435-35,498,447 gives the same sequence; the c. name uses the placement nearest the transcript's 3' end. VCF-style (leftmost placement, unchanged base first): chr6-35498434-GGCCGAACTGCA-G. GRCh37 (hg19) VCF-style: chr6-35466211-GGCCGAACTGCA-G.
Other names: c.1352_1362del, p.Leu451fs (NM_001289395.2); short protein forms L451fs, L504fs.
Identifiers: ClinVar variation 7364 (VCV000007364.6), dbSNP rs1581734819, ClinGen allele CA913185066.